The following is an entry in ClinVar:

ClinVar aggregate classification (germline): Uncertain significance (0 of 4 stars; one submission).

Conditions:
PCNT-related disorder. Also called: PCNT-related condition.

gnomAD v4.1: 4 of 1,614,036 alleles (0.00025%); highest among the groups gnomAD compares: Non-Finnish European, 0.00034%; no homozygotes.

Submission:

PreventionGenetics, part of Exact Sciences
Classification: Uncertain significance for PCNT-related condition. Last evaluated: 2024-05-08. Review status: no assertion criteria provided. Collection method: clinical testing. Allele origin: germline.
Comment: The PCNT c.3071A>T variant is predicted to result in the amino acid substitution p.Glu1024Val. To our knowledge, this variant has not been reported in the literature or in a large population database, indicating this variant is rare. At this time, the clinical significance of this variant is uncertain due to the absence of conclusive functional and genetic evidence.

NM_006031.6(PCNT):c.3071A>T (p.Glu1024Val)

Gene: PCNT (pericentrin; plus strand). Cytogenetic location: 21q22.3.
Variant type: single nucleotide variant.
Coding change: c.3071A>T on transcript NM_006031.6 (MANE Select); coding-DNA position 3071, A replaced by T.
Protein change: p.Glu1024Val; replaces glutamic acid 1024 with valine.
Molecular consequence: missense variant.
Genome position (GRCh38, 1-based): chr21:46,367,045, A>T. VCF-style: chr21-46367045-A-T. GRCh37 (hg19) VCF-style: chr21-47786960-A-T.
Other names: c.2717A>T, p.Glu906Val (NM_001315529.2); short protein forms E1024V, E906V.
Identifiers: ClinVar variation 3347374 (VCV003347374.1).
Genomic context (GRCh38, chr21:46,367,045, plus strand): 5'-AGGACTCTCTTCACCAAACGATTTTGACTCAAGAGTTGGAGAAACTGAAGCGGAAACACG[A>T]AGGGGAGCTACAGTCTGTGCGGGACCACCTGCGAACCGAAGTGAGCACAGAGCTCGCCGG-3'
Protein context (NP_006022.3, residues 1014-1034): QELEKLKRKH[Glu1024Val]GELQSVRDHL